The following is an entry in ClinVar:

ClinVar aggregate classification (germline): Likely benign (1 of 4 stars; one submission).

Conditions:
STKLD1-related disorder. Also called: STKLD1-related condition.

gnomAD v4.1: 182 of 1,613,454 alleles (0.011%); highest among the groups gnomAD compares: Non-Finnish European, 0.015%; no homozygotes.

Submission:

PreventionGenetics, part of Exact Sciences
Classification: Likely benign for STKLD1-related condition. Last evaluated: 2025-05-31. Review status: criteria provided, single submitter. Criteria: ACMG Guidelines, 2015. Collection method: clinical testing. Allele origin: germline.
Comment: This variant is classified as likely benign based on ACMG/AMP sequence variant interpretation guidelines (Richards et al. 2015 PMID: 25741868, with internal and published modifications).

NM_153710.5(STKLD1):c.1563A>C (p.Ala521=)

Gene: STKLD1 (serine/threonine kinase like domain containing 1; plus strand). Cytogenetic location: 9q34.2.
Variant type: single nucleotide variant.
Coding change: c.1563A>C on transcript NM_153710.5 (MANE Select); coding-DNA position 1563, A replaced by C.
Protein change: p.Ala521=; no amino-acid change (alanine 521 retained).
Molecular consequence: synonymous variant. On other transcripts: non-coding transcript variant (1).
Genome position (GRCh38, 1-based): chr9:133,403,788, A>C. VCF-style: chr9-133403788-A-C. GRCh37 (hg19) VCF-style: chr9-136268912-A-C.
Identifiers: ClinVar variation 4981782 (VCV004981782.1).